The following is an entry in ClinVar:

NM_004385.5(VCAN):c.772C>T (p.Pro258Ser)

Gene: VCAN (versican; plus strand). Cytogenetic location: 5q14.3.
Variant type: single nucleotide variant.
Coding change: c.772C>T on transcript NM_004385.5 (MANE Select); coding-DNA position 772, C replaced by T.
Protein change: p.Pro258Ser; replaces proline 258 with serine.
Molecular consequence: missense variant.
Genome position (GRCh38, 1-based): chr5:83,512,126, C>T. VCF-style: chr5-83512126-C-T. GRCh37 (hg19) VCF-style: chr5-82807945-C-T.
Other names: c.772C>T, p.Pro258Ser (NM_001126336.3, NM_001164097.2, NM_001164098.2); short protein forms P258S.
Identifiers: ClinVar variation 958557 (VCV000958557.9), dbSNP rs1745680756, ClinGen allele CA360297859.

ClinVar aggregate classification (germline): Uncertain significance (1 of 4 stars; one submission).

Allele frequency attached by ClinVar (database versions not stated): gnomAD exomes below 0.00001.
gnomAD v4.1: 2 of 1,614,066 alleles (0.00012%); highest among the groups gnomAD compares: Non-Finnish European, 0.00017%; no homozygotes.

Submission:

Labcorp Genetics (formerly Invitae), Labcorp
Classification: Uncertain significance. Last evaluated: 2022-04-01. Review status: criteria provided, single submitter. Criteria: Invitae Variant Classification Sherloc (09022015). Collection method: clinical testing. Allele origin: germline.
Comment: This sequence change replaces proline, which is neutral and non-polar, with serine, which is neutral and polar, at codon 258 of the VCAN protein (p.Pro258Ser). This variant is not present in population databases (gnomAD no frequency). This variant has not been reported in the literature in individuals affected with VCAN-related conditions. ClinVar contains an entry for this variant (Variation ID: 958557). Algorithms developed to predict the effect of missense changes on protein structure and function are either unavailable or do not agree on the potential impact of this missense change (SIFT: "Deleterious"; PolyPhen-2: "Probably Damaging"; Align-GVGD: "Class C0"). In summary, the available evidence is currently insufficient to determine the role of this variant in disease. Therefore, it has been classified as a Variant of Uncertain Significance.